The following is an entry in ClinVar:

ClinVar aggregate classification (germline): Uncertain significance (1 of 4 stars; one submission).

Submission:

Labcorp Genetics (formerly Invitae), Labcorp
Classification: Uncertain significance. Last evaluated: 2026-01-20. Review status: criteria provided, single submitter. Criteria: Invitae Variant Classification Sherloc (09022015). Collection method: clinical testing. Allele origin: germline.
Comment: This sequence change replaces isoleucine, which is neutral and non-polar, with valine, which is neutral and non-polar, at codon 367 of the FH protein (p.Ile367Val). This variant is not present in population databases (gnomAD no frequency). This variant has not been reported in the literature in individuals affected with FH-related conditions. ClinVar contains an entry for this variant (Variation ID: 3656557). Invitae Evidence Modeling of protein sequence and biophysical properties (such as structural, functional, and spatial information, amino acid conservation, physicochemical variation, residue mobility, and thermodynamic stability) indicates that this missense variant is expected to disrupt FH protein function with a positive predictive value of 95%. In summary, the available evidence is currently insufficient to determine the role of this variant in disease. Therefore, it has been classified as a Variant of Uncertain Significance.

NM_000143.4(FH):c.1099A>G (p.Ile367Val)

Gene: FH (fumarate hydratase; minus strand). Cytogenetic location: 1q43.
Variant type: single nucleotide variant.
Coding change: c.1099A>G on transcript NM_000143.4 (MANE Select); coding-DNA position 1099, A replaced by G.
Protein change: p.Ile367Val; replaces isoleucine 367 with valine.
Molecular consequence: missense variant.
Genome position (GRCh38, 1-based): chr1:241,504,051, T>C on the plus strand (A>G on the coding strand, the complement: FH is on the minus strand). VCF-style: chr1-241504051-T-C. GRCh37 (hg19) VCF-style: chr1-241667351-T-C.
Other names: short protein forms I367V.
Identifiers: ClinVar variation 3656557 (VCV003656557.2).